The following is an entry in ClinVar:

NM_001453.3(FOXC1):c.247T>C (p.Tyr83His)

Genes: FOXC1 (forkhead box C1; plus strand), LOC129995601 (ATAC-STARR-seq lymphoblastoid active region 23864; plus strand). Cytogenetic location: 6p25.3.
Variant type: single nucleotide variant.
Coding change: c.247T>C on transcript NM_001453.3 (MANE Select); coding-DNA position 247, T replaced by C.
Protein change: p.Tyr83His; replaces tyrosine 83 with histidine.
Molecular consequence: missense variant.
Genome position (GRCh38, 1-based): chr6:1,610,692, T>C. VCF-style: chr6-1610692-T-C. GRCh37 (hg19) VCF-style: chr6-1610927-T-C.
Other names: short protein forms Y83H.
Identifiers: ClinVar variation 4532023 (VCV004532023.1).

ClinVar aggregate classification (germline): Likely pathogenic (1 of 4 stars; one submission).

Conditions:
FOXC1-related anterior segment dysgenesis. Identifiers: MedGen CN323279, MONDO:0100235.

Submission:

Victorian Clinical Genetics Services, Murdoch Childrens Research Institute
Classification: Likely pathogenic for FOXC1-related anterior segment dysgenesis. Last evaluated: 2025-03-18. Review status: criteria provided, single submitter. Criteria: ACMG Guidelines, 2015. Collection method: clinical testing. Allele origin: germline. Affected: yes.
Comment: This variant is classified as Likely pathogenic. Evidence in support of pathogenic classification: Variant is absent from gnomAD (v2, v3 and v4); This variant has moderate previous evidence of pathogenicity in unrelated individuals. This variant has been observed as de novo in an individual with Axenfeld-Reiger syndrome (PMID: 34745210). This variant has also been classified as likely pathogenic in an individual with Axenfeld anomaly (LOVD); Variant is located in a hotspot region or cluster of pathogenic variants and affects a residue that is important for DNA binding (DECIPHER, PMID: 34551426); Missense variant predicted to be damaging by in silico tool(s) or highly conserved with a major amino acid change. Additional information: Variant is predicted to result in a missense amino acid change from tyrosine to histidine; This variant is heterozygous; This gene is associated with autosomal dominant disease; No published functional evidence has been identified for this variant; No comparable missense variants have previous evidence for pathogenicity; Loss of function is a known mechanism of disease in this gene and is associated with FOXC1-related anterior segment dysgenesis (MONDO:0100235); Variants in this gene are known to have variable expressivity. Variants in FOXC1 have been reported to demonstrate interfamilial and intrafamilial expressivity (PMIDs: 19513095; 31836490).

Literature cited by the submitters: PubMed 34551426; PubMed 34745210; PubMed 19513095.